The following is an entry in ClinVar:

NM_000138.5(FBN1):c.2729-3del

Gene: FBN1 (fibrillin 1; minus strand). Cytogenetic location: 15q21.1.
Variant type: Deletion.
Coding change: c.2729-3del on transcript NM_000138.5 (MANE Select); 3 bases into the intron before coding-DNA position 2729, one base deleted (T; older notation c.2729-3delT).
Molecular consequence: intron variant.
Genome position (GRCh38, 1-based): chr15:48,492,589, A deleted on the plus strand (T on the coding strand, the reverse complement: FBN1 is on the minus strand); the first of 5 consecutive A bases (chr15:48,492,589-48,492,593); deleting any one gives the same sequence. VCF-style (leftmost placement, unchanged base first): chr15-48492588-TA-T. GRCh37 (hg19) VCF-style: chr15-48784785-TA-T.
Other names: c.2729-3delT (NM_000138.4).
Identifiers: ClinVar variation 457179 (VCV000457179.19), dbSNP rs756503206, ClinGen allele CA048675.

ClinVar aggregate classification (germline): Likely benign. Review status: criteria provided, multiple submitters, no conflicts (2 of 4 stars). 5 submissions from 5 submitters: Likely benign (5). Last evaluated 2026-01-18.

Conditions:
Marfan syndrome (MFS). Also called: MARFAN SYNDROME, TYPE I; FBN1-Related Marfan Syndrome; Marfan syndrome type 1; Marfan's syndrome; Marfan syndrome, classic. Identifiers: Orphanet 284963, Orphanet 558, MedGen C0024796, MONDO:0007947, OMIM 154700.
Familial thoracic aortic aneurysm and aortic dissection (TAAD). Also called: Thoracic aortic aneurysms and dissections. Identifiers: Orphanet 91387, MedGen C4707243, MONDO:0019625.
FBN1-related disorder. Also called: FBN1-related disorders.

Submissions (5):

Labcorp Genetics (formerly Invitae), Labcorp
Classification: Likely benign for Marfan syndrome; Familial thoracic aortic aneurysm and aortic dissection. Last evaluated: 2026-01-18. Review status: criteria provided, single submitter. Criteria: Invitae Variant Classification Sherloc (09022015). Collection method: clinical testing. Allele origin: germline.

PreventionGenetics, part of Exact Sciences
Classification: Likely benign for FBN1-related condition. Last evaluated: 2025-07-31. Review status: criteria provided, single submitter. Criteria: ACMG Guidelines, 2015. Collection method: clinical testing. Allele origin: germline.
Comment: This variant is classified as likely benign based on ACMG/AMP sequence variant interpretation guidelines (Richards et al. 2015 PMID: 25741868, with internal and published modifications).

Blueprint Genetics
Classification: Likely benign. Last evaluated: 2024-11-11. Review status: criteria provided, single submitter. Criteria: ACMG Guidelines, 2015. Collection method: clinical testing. Allele origin: germline.

Color Diagnostics, LLC DBA Color Health
Classification: Likely benign for Familial thoracic aortic aneurysm and aortic dissection. Last evaluated: 2019-06-13. Review status: criteria provided, single submitter. Criteria: ACMG Guidelines, 2015. Collection method: clinical testing. Allele origin: germline.

Ambry Genetics
Classification: Likely benign for Familial thoracic aortic aneurysm and aortic dissection. Last evaluated: 2017-05-05. Review status: criteria provided, single submitter. Criteria: Ambry Variant Classification Scheme 2023. Collection method: clinical testing. Allele origin: germline.